The following is an entry in ClinVar:

ClinVar aggregate classification (germline): Uncertain significance. Review status: criteria provided, multiple submitters, no conflicts (2 of 4 stars). 3 submissions from 3 submitters: Uncertain significance (3). Last evaluated 2025-11-02.

Conditions:
Hereditary cancer-predisposing syndrome. Also called: Neoplastic Syndromes, Hereditary; Tumor predisposition; Hereditary Cancer Syndrome; Hereditary neoplastic syndrome. Identifiers: Orphanet 140162, MedGen C0027672, MeSH D009386, MONDO:0015356.

Allele frequency attached by ClinVar (database versions not stated): gnomAD exomes below 0.00001; ExAC 0.00001.
gnomAD v4.1: 1 of 1,614,182 alleles (0.000062%); highest among the groups gnomAD compares: Admixed American, 0.0017%; no homozygotes.

Submissions (3):

Ambry Genetics
Classification: Uncertain significance for Hereditary cancer-predisposing syndrome. Last evaluated: 2025-11-02. Review status: criteria provided, single submitter. Criteria: Ambry Variant Classification Scheme 2023. Collection method: clinical testing. Allele origin: germline.
Comment: The p.K246Q variant (also known as c.736A>C), located in coding exon 5 of the CTNNA1 gene, results from an A to C substitution at nucleotide position 736. The lysine at codon 246 is replaced by glutamine, an amino acid with similar properties. In one study, this alteration was identified in 1/151,425 individuals who underwent multi-gene germline genetic testing and classified as a variant of uncertain significance by the authors (Clark DF et al. Genet Med, 2020 05;22:840-846). This amino acid position is highly conserved in available vertebrate species. In addition, the in silico prediction for this alteration is inconclusive. Since supporting evidence is limited at this time, the clinical significance of this alteration remains unclear.

Labcorp Genetics (formerly Invitae), Labcorp
Classification: Uncertain significance. Last evaluated: 2024-12-26. Review status: criteria provided, single submitter. Criteria: Invitae Variant Classification Sherloc (09022015). Collection method: clinical testing. Allele origin: germline.
Comment: This sequence change replaces lysine, which is basic and polar, with glutamine, which is neutral and polar, at codon 246 of the CTNNA1 protein (p.Lys246Gln). This variant is present in population databases (rs781342935, gnomAD 0.003%). This variant has not been reported in the literature in individuals affected with CTNNA1-related conditions. ClinVar contains an entry for this variant (Variation ID: 652111). Invitae Evidence Modeling of protein sequence and biophysical properties (such as structural, functional, and spatial information, amino acid conservation, physicochemical variation, residue mobility, and thermodynamic stability) indicates that this missense variant is not expected to disrupt CTNNA1 protein function with a negative predictive value of 80%. In summary, the available evidence is currently insufficient to determine the role of this variant in disease. Therefore, it has been classified as a Variant of Uncertain Significance.

GeneDx
Classification: Uncertain significance. Last evaluated: 2023-01-20. Review status: criteria provided, single submitter. Criteria: GeneDx Variant Classification Process June 2021. Collection method: clinical testing. Allele origin: germline. Affected: yes.
Comment: Not observed at significant frequency in large population cohorts (gnomAD); In silico analysis supports that this missense variant does not alter protein structure/function; Observed in individuals undergoing multigene panel testing (Clark et al., 2020); This variant is associated with the following publications: (PMID: 34837036, 32051609)

Literature cited by the submitters: PubMed 32051609 (cited by Ambry Genetics).

NM_001903.5(CTNNA1):c.736A>C (p.Lys246Gln)

Gene: CTNNA1 (catenin alpha 1; plus strand). Cytogenetic location: 5q31.2.
Variant type: single nucleotide variant.
Coding change: c.736A>C on transcript NM_001903.5 (MANE Select); coding-DNA position 736, A replaced by C.
Protein change: p.Lys246Gln; replaces lysine 246 with glutamine.
Molecular consequence: missense variant.
Genome position (GRCh38, 1-based): chr5:138,824,677, A>C. VCF-style: chr5-138824677-A-C. GRCh37 (hg19) VCF-style: chr5-138160366-A-C.
Other names: c.736A>C, p.Lys246Gln (NM_001290307.3, NM_001323982.2, NM_001323983.1 and 3 more transcripts); c.427A>C, p.Lys143Gln (NM_001290309.3); c.367A>C, p.Lys123Gln (NM_001290310.3); short protein forms K123Q, K143Q, K246Q.
Identifiers: ClinVar variation 652111 (VCV000652111.13), dbSNP rs781342935, ClinGen allele CA3431548.